The following is an entry in ClinVar:

ClinVar aggregate classification (germline): Conflicting classifications of pathogenicity. Review status: criteria provided, conflicting classifications (1 of 4 stars). 7 submissions from 7 submitters: Likely pathogenic (1); Uncertain significance (6). Last evaluated 2025-10-07.

Conditions:
Primary hyperoxaluria, type II (HP2). Also called: OXALOSIS II; Primary hyperoxaluria type 2; D-GLYCERATE DEHYDROGENASE DEFICIENCY; GLYCERIC ACIDURIA; GLYOXYLATE REDUCTASE/HYDROXYPYRUVATE REDUCTASE DEFICIENCY. Identifiers: Orphanet 416, Orphanet 93599, MedGen C0268165, MONDO:0009824, OMIM 260000. Disease mechanism: loss of function.

Allele frequency attached by ClinVar (database versions not stated): gnomAD exomes 0.00018; ExAC 0.00019; TOPMed 0.00029; ESP Exome Variant Server 0.00062.
gnomAD v4.1: 487 of 1,613,976 alleles (0.03%); highest among the groups gnomAD compares: Non-Finnish European, 0.038%; no homozygotes.

Submissions (7):

Dasa
Classification: Uncertain significance. Last evaluated: 2025-10-07. Review status: criteria provided, single submitter. Criteria: DASA Assertion Criteria. Collection method: clinical testing. Allele origin: germline.
Comment: NM_012203.2(GRHPR):c.955G>T (p.Gly319Trp) is a missense variant that results in the substitution of glycine with tryptophan. This variant is rare in population databases. Computational prediction algorithms are consistent with a deleterious effect. The currently available literature and clinical evidence are not sufficient to establish a definitive association between this variant and the reported condition. Therefore, this variant is classified as a variant of uncertain significance.

Women's Health and Genetics/Laboratory Corporation of America, LabCorp
Classification: Uncertain significance. Last evaluated: 2025-07-01. Review status: criteria provided, single submitter. Criteria: LabCorp Variant Classification Summary - May 2015. Collection method: clinical testing. Allele origin: germline.
Comment: Variant summary: GRHPR c.955G>T (p.Gly319Trp) results in a non-conservative amino acid change in the encoded protein sequence. Algorithms developed to predict the effect of missense changes on protein structure and function all suggest that this variant is likely to be disruptive. The variant allele was found at a frequency of 0.00018 in 251490 control chromosomes. This frequency is not significantly higher than estimated for a pathogenic variant in GRHPR causing Primary Hyperoxaluria Type 2 (0.00018 vs 0.0014), allowing no conclusion about variant significance. To our knowledge, no occurrence of c.955G>T in individuals affected with Primary Hyperoxaluria Type 2 and no experimental evidence demonstrating its impact on protein function have been reported. ClinVar contains an entry for this variant (Variation ID: 427140). Based on the evidence outlined above, the variant was classified as uncertain significance.

Fulgent Genetics
Classification: Uncertain significance for Primary hyperoxaluria, type II. Last evaluated: 2024-06-19. Review status: criteria provided, single submitter. Criteria: ACMG Guidelines, 2015. Collection method: clinical testing. Allele origin: germline.

Blueprint Genetics
Classification: Uncertain significance. Last evaluated: 2024-02-05. Review status: criteria provided, single submitter. Criteria: ACMG Guidelines, 2015. Collection method: clinical testing. Allele origin: germline.

Labcorp Genetics (formerly Invitae), Labcorp
Classification: Uncertain significance. Last evaluated: 2022-08-22. Review status: criteria provided, single submitter. Criteria: Invitae Variant Classification Sherloc (09022015). Collection method: clinical testing. Allele origin: germline.
Comment: This sequence change replaces glycine, which is neutral and non-polar, with tryptophan, which is neutral and slightly polar, at codon 319 of the GRHPR protein (p.Gly319Trp). This variant is present in population databases (rs142835989, gnomAD 0.04%). This variant has not been reported in the literature in individuals affected with GRHPR-related conditions. ClinVar contains an entry for this variant (Variation ID: 427140). Advanced modeling of protein sequence and biophysical properties (such as structural, functional, and spatial information, amino acid conservation, physicochemical variation, residue mobility, and thermodynamic stability) performed at Invitae indicates that this missense variant is expected to disrupt GRHPR protein function. In summary, the available evidence is currently insufficient to determine the role of this variant in disease. Therefore, it has been classified as a Variant of Uncertain Significance.

Illumina Laboratory Services, Illumina
Classification: Uncertain significance for Primary hyperoxaluria, type II. Last evaluated: 2018-01-12. Review status: criteria provided, single submitter. Criteria: ICSL Variant Classification Criteria 13 December 2019. Collection method: clinical testing. Allele origin: germline.

GeneDx
Classification: Likely pathogenic. Last evaluated: 2015-05-21. Review status: criteria provided, single submitter. Criteria: GeneDx Variant Classification (06012015). Collection method: clinical testing. Allele origin: germline. Affected: yes.
Comment: The G319W variant in the GRHPR gene has not been published as a pathogenic variant, nor has it been reported as a benign polymorphism to our knowledge. The G319W variant was not observed with a significant frequency in approximately 6,500 individuals of European and African American ancestry in the NHLBI Exome Sequencing Project, indicating it is not a common benign variant in these populations. The G319W variant is a semi-conservative amino acid substitution, which may impact secondary protein structure as these residues differ in some properties. This substitution occurs at a position that is conserved across species. In silico analysis predicts this variant is probably damaging to the protein structure/function. Missense variants in nearby residues (N312D, M322R) have been reported in the Human Gene Mutation Database in association with hyperoxaluria (Stenson et al., 2014), supporting the functional importance of this region of the protein. The G319W variant is a strong candidate for a disease-causing variants, however the possibility it may be a rare benign variant cannot be excluded.

NM_012203.2(GRHPR):c.955G>T (p.Gly319Trp)

Gene: GRHPR (glyoxylate and hydroxypyruvate reductase; plus strand). Cytogenetic location: 9p13.2.
Variant type: single nucleotide variant.
Coding change: c.955G>T on transcript NM_012203.2 (MANE Select); coding-DNA position 955, G replaced by T.
Protein change: p.Gly319Trp; replaces glycine 319 with tryptophan.
Molecular consequence: missense variant.
Genome position (GRCh38, 1-based): chr9:37,436,750, G>T. VCF-style: chr9-37436750-G-T. GRCh37 (hg19) VCF-style: chr9-37436747-G-T.
Other names: short protein forms G319W.
Identifiers: ClinVar variation 427140 (VCV000427140.15), dbSNP rs142835989, ClinGen allele CA5059348.